The following is an entry in ClinVar:

NM_001673.5(ASNS):c.198_202del (p.Lys66fs)

Genes: ASNS (asparagine synthetase (glutamine-hydrolyzing); minus strand), CZ1P-ASNS (CZ1P-ASNS readthrough; minus strand). Cytogenetic location: 7q21.3.
Variant type: Deletion.
Coding change: c.198_202del on transcript NM_001673.5 (MANE Select); coding-DNA positions 198 to 202, 5 bases deleted (ATATC; older notation c.198_202delATATC).
Protein change: p.Lys66fs; shifts the reading frame from lysine 66.
Molecular consequence: frameshift variant. On other transcripts: non-coding transcript variant (1), intron variant (2).
Genome position (GRCh38, 1-based): chr7:97,868,955-97,868,959, GATAT deleted on the plus strand (ATATC on the coding strand, the reverse complement: ASNS is on the minus strand). VCF-style (leftmost placement, unchanged base first): chr7-97868954-GGATAT-G. GRCh37 (hg19) VCF-style: chr7-97498266-GGATAT-G.
Other names: c.135_139del, p.Lys45fs (NM_001178075.2); c.198_202del, p.Lys66fs (NM_001352496.2, NM_133436.3, NM_183356.4); c.-1+3392_-1+3396del (NM_001178076.2); c.-1+3082_-1+3086del (NM_001178077.1); short protein forms K45fs, K66fs.
Identifiers: ClinVar variation 2443601 (VCV002443601.1), dbSNP rs2484697837, ClinGen allele CA2580077966.
Genomic context (GRCh38, chr7:97,868,954, plus strand): 5'-TTCTTTCTCCTCACCTTCTTATGGTTGTAGATTTCACCATTGTAACAGAGCCACAAATAC[GGATAT>G]TTCTTCACTCGAATTGGCTGCATTCCAAACAGCGGGTCAACTACCGCCAACCGGTGAAAT-3'

ClinVar aggregate classification (germline): Pathogenic (1 of 4 stars; one submission).

Submission:

GeneDx
Classification: Pathogenic. Last evaluated: 2022-09-13. Review status: criteria provided, single submitter. Criteria: GeneDx Variant Classification Process June 2021. Collection method: clinical testing. Allele origin: germline. Affected: yes.
Comment: Frameshift variant predicted to result in protein truncation or nonsense mediated decay in a gene for which loss of function is a known mechanism of disease; Not observed at significant frequency in large population cohorts (gnomAD); This variant is associated with the following publications: (PMID: 30057589, Dallas2016[Poster])